The following is an entry in ClinVar:

ClinVar aggregate classification (germline): Uncertain significance (1 of 4 stars; one submission).

Conditions:
Early-infantile DEE. Also called: Early infantile epileptic encephalopathy with suppression bursts; Early infantile epileptic encephalopathy; Ohtahara syndrome. Identifiers: Orphanet 1934, MedGen C0393706, MONDO:0800491.

gnomAD v4.1: 1 of 1,535,096 alleles (0.000065%); highest among the groups gnomAD compares: Admixed American, 0.002%; no homozygotes.

Submission:

Labcorp Genetics (formerly Invitae), Labcorp
Classification: Uncertain significance for Early-infantile DEE. Last evaluated: 2024-10-29. Review status: criteria provided, single submitter. Criteria: Invitae Variant Classification Sherloc (09022015). Collection method: clinical testing. Allele origin: germline.
Comment: This sequence change replaces proline, which is neutral and non-polar, with threonine, which is neutral and polar, at codon 29 of the KCNQ2 protein (p.Pro29Thr). This variant is not present in population databases (gnomAD no frequency). This variant has not been reported in the literature in individuals affected with KCNQ2-related conditions. Invitae Evidence Modeling of protein sequence and biophysical properties (such as structural, functional, and spatial information, amino acid conservation, physicochemical variation, residue mobility, and thermodynamic stability) indicates that this missense variant is expected to disrupt KCNQ2 protein function with a positive predictive value of 95%. In summary, the available evidence is currently insufficient to determine the role of this variant in disease. Therefore, it has been classified as a Variant of Uncertain Significance.

NM_172107.4(KCNQ2):c.85C>A (p.Pro29Thr)

Gene: KCNQ2 (potassium voltage-gated channel subfamily Q member 2; minus strand). Cytogenetic location: 20q13.33.
Variant type: single nucleotide variant.
Coding change: c.85C>A on transcript NM_172107.4 (MANE Select); coding-DNA position 85, C replaced by A.
Protein change: p.Pro29Thr; replaces proline 29 with threonine.
Molecular consequence: missense variant.
Genome position (GRCh38, 1-based): chr20:63,472,379, G>T on the plus strand (C>A on the coding strand, the complement: KCNQ2 is on the minus strand). VCF-style: chr20-63472379-G-T. GRCh37 (hg19) VCF-style: chr20-62103732-G-T.
Other names: c.85C>A, p.Pro29Thr (NM_172109.3, NM_001382235.1, NM_004518.6 and 2 more transcripts); short protein forms P29T.
Identifiers: ClinVar variation 2715286 (VCV002715286.3), dbSNP rs1443768998, ClinGen allele CA409635838.